The following is an entry in ClinVar:

NM_000037.4(ANK1):c.2961-1G>A

Gene: ANK1 (ankyrin 1; minus strand). Cytogenetic location: 8p11.21.
Variant type: single nucleotide variant.
Coding change: c.2961-1G>A on transcript NM_000037.4 (MANE Select); the canonical splice acceptor site of the intron before coding-DNA position 2961, G replaced by A.
Molecular consequence: splice acceptor variant.
Genome position (GRCh38, 1-based): chr8:41,695,332, C>T on the plus strand (G>A on the coding strand, the complement: ANK1 is on the minus strand). VCF-style: chr8-41695332-C-T. GRCh37 (hg19) VCF-style: chr8-41552850-C-T.
Other names: c.3084-1G>A (NM_001142446.2); c.2961-1G>A (NM_020477.3, NM_020475.3, NM_020476.3).
Identifiers: ClinVar variation 1346922 (VCV001346922.8), dbSNP rs2150594688, ClinGen allele CA371061787.

ClinVar aggregate classification (germline): Likely pathogenic (1 of 4 stars; one submission).

Submission:

Labcorp Genetics (formerly Invitae), Labcorp
Classification: Likely pathogenic. Last evaluated: 2021-06-20. Review status: criteria provided, single submitter. Criteria: Invitae Variant Classification Sherloc (09022015). Collection method: clinical testing. Allele origin: germline.
Comment: This sequence change affects an acceptor splice site in intron 26 of the ANK1 gene. It is expected to disrupt RNA splicing. Variants that disrupt the donor or acceptor splice site typically lead to a loss of protein function (PMID: 16199547), and loss-of-function variants in ANK1 are known to be pathogenic (PMID: 8640229). This variant is not present in population databases (ExAC no frequency). This variant has not been reported in the literature in individuals with ANK1-related conditions. Algorithms developed to predict the effect of sequence changes on RNA splicing suggest that this variant may disrupt the consensus splice site, but this prediction has not been confirmed by published transcriptional studies. In summary, the currently available evidence indicates that the variant is pathogenic, but additional data are needed to prove that conclusively. Therefore, this variant has been classified as Likely Pathogenic.

Literature cited by the submitters: PubMed 16199547; PubMed 8640229.